The following is an entry in ClinVar:

NM_001384140.1(PCDH15):c.1081T>C (p.Phe361Leu)

Gene: PCDH15 (protocadherin related 15; minus strand). Cytogenetic location: 10q21.1.
Variant type: single nucleotide variant.
Coding change: c.1081T>C on transcript NM_001384140.1 (MANE Select); coding-DNA position 1081, T replaced by C.
Protein change: p.Phe361Leu; replaces phenylalanine 361 with leucine.
Molecular consequence: missense variant.
Genome position (GRCh38, 1-based): chr10:54,213,953, A>G on the plus strand (T>C on the coding strand, the complement: PCDH15 is on the minus strand). VCF-style: chr10-54213953-A-G. GRCh37 (hg19) VCF-style: chr10-55973713-A-G.
Other names: c.1096T>C, p.Phe366Leu (NM_001142763.2, NM_001142769.4, NM_001142771.2); c.1081T>C, p.Phe361Leu (NM_001142764.2, NM_001142765.2, NM_001142766.2 and 7 more transcripts); c.970T>C, p.Phe324Leu (NM_001142767.2); c.1015T>C, p.Phe339Leu (NM_001142768.2, NM_001142773.2, NM_001354404.2); short protein forms F324L, F361L, F339L, F366L.
Identifiers: ClinVar variation 1386823 (VCV001386823.6), dbSNP rs2134107228, ClinGen allele CA376523443.

ClinVar aggregate classification (germline): Uncertain significance (1 of 4 stars; one submission).

Submission:

Labcorp Genetics (formerly Invitae), Labcorp
Classification: Uncertain significance. Last evaluated: 2022-02-08. Review status: criteria provided, single submitter. Criteria: Invitae Variant Classification Sherloc (09022015). Collection method: clinical testing. Allele origin: germline.
Comment: This sequence change replaces phenylalanine, which is neutral and non-polar, with leucine, which is neutral and non-polar, at codon 361 of the PCDH15 protein (p.Phe361Leu). This variant is not present in population databases (gnomAD no frequency). This variant has not been reported in the literature in individuals affected with PCDH15-related conditions. Algorithms developed to predict the effect of missense changes on protein structure and function are either unavailable or do not agree on the potential impact of this missense change (SIFT: "Deleterious"; PolyPhen-2: "Probably Damaging"; Align-GVGD: "Class C0"). In summary, the available evidence is currently insufficient to determine the role of this variant in disease. Therefore, it has been classified as a Variant of Uncertain Significance.